The following is an entry in ClinVar:

ClinVar aggregate classification (germline): Conflicting classifications of pathogenicity. Review status: criteria provided, conflicting classifications (1 of 4 stars). 8 submissions from 8 submitters: Uncertain significance (3); Likely benign (1). 4 of the submissions do not count toward it. Last evaluated 2026-09-22.

Conditions:
TTN-related disorder. Also called: TTN-related condition; TTN-related disease; TTN-related disorders.

Allele frequency attached by ClinVar (database versions not stated): gnomAD 0.00002 and 0.00003; gnomAD exomes 0.00006 and 0.00008; ExAC 0.00007; TOPMed 0.00007; ESP Exome Variant Server 0.00008; 1000 Genomes Project 30x 0.00016; 1000 Genomes Project 0.00020.
gnomAD v4.1: 126 of 1,613,514 alleles (0.0078%); highest among the groups gnomAD compares: South Asian, 0.019%; no homozygotes.

Submissions (8):

PreventionGenetics, part of Exact Sciences
Classification: Uncertain significance for TTN-related condition. Last evaluated: 2026-09-22. Review status: criteria provided, single submitter. Criteria: ACMG Guidelines, 2015. Collection method: clinical testing. Allele origin: germline.
Comment: The TTN c.69554G>A variant is predicted to result in the amino acid substitution p.Arg23185Gln. To our knowledge, this variant has not been reported in the literature. This variant is reported in 0.023% of alleles in individuals of South Asian descent in gnomAD. At this time, the clinical significance of this variant is uncertain due to the absence of conclusive functional and genetic evidence.

Revvity Omics, Revvity
Classification: Uncertain significance. Last evaluated: 2023-11-15. Review status: criteria provided, single submitter. Criteria: ACMG Guidelines, 2015. Collection method: clinical testing. Allele origin: germline.

GeneDx
Classification: Likely benign. Last evaluated: 2020-03-30. Review status: criteria provided, single submitter. Criteria: GeneDx Variant Classification Process June 2021. Collection method: clinical testing. Allele origin: germline. Affected: yes.

Eurofins Ntd Llc (ga)
Classification: Uncertain significance. Last evaluated: 2017-11-29. Review status: criteria provided, single submitter. Criteria: EGL Classification Definitions 2015. Collection method: clinical testing. Allele origin: germline. Observed: 3 variant alleles, 3 heterozygotes.

Clinical Genetics, Academic Medical Center
Classification: Uncertain significance. Review status: no assertion criteria provided. Collection method: clinical testing. Allele origin: germline. Affected: yes. Study: VKGL Data-share Consensus. Not counted in ClinVar's aggregate classification.

Diagnostic Laboratory, Department of Genetics, University Medical Center Groningen
Classification: Uncertain significance. Review status: no assertion criteria provided. Collection method: clinical testing. Allele origin: germline. Affected: yes. Study: VKGL Data-share Consensus. Not counted in ClinVar's aggregate classification.

Genome Diagnostics Laboratory, University Medical Center Utrecht
Classification: Uncertain significance. Review status: no assertion criteria provided. Collection method: clinical testing. Allele origin: germline. Affected: yes. Study: VKGL Data-share Consensus. Not counted in ClinVar's aggregate classification.

Joint Genome Diagnostic Labs from Nijmegen and Maastricht, Radboudumc and MUMC+
Classification: Uncertain significance. Review status: no assertion criteria provided. Collection method: clinical testing. Allele origin: germline. Affected: yes. Study: VKGL Data-share Consensus. Not counted in ClinVar's aggregate classification.

NM_001267550.2(TTN):c.69554G>A (p.Arg23185Gln)

Genes: TTN (titin; minus strand), TTN-AS1 (TTN antisense RNA 1; plus strand). Cytogenetic location: 2q31.2.
Variant type: single nucleotide variant.
Coding change: c.69554G>A on transcript NM_001267550.2 (MANE Select); coding-DNA position 69554, G replaced by A.
Protein change: p.Arg23185Gln; replaces arginine 23185 with glutamine.
Molecular consequence: missense variant.
Genome position (GRCh38, 1-based): chr2:178,576,690, C>T on the plus strand (G>A on the coding strand, the complement: TTN is on the minus strand). VCF-style: chr2-178576690-C-T. GRCh37 (hg19) VCF-style: chr2-179441417-C-T.
Other names: c.64631G>A, p.Arg21544Gln (NM_001256850.1); c.42359G>A, p.Arg14120Gln (NM_003319.4); c.61850G>A, p.Arg20617Gln (NM_133378.4); c.42734G>A, p.Arg14245Gln (NM_133432.3); c.42935G>A, p.Arg14312Gln (NM_133437.4); short protein forms R20617Q, R23185Q, R14245Q, R14312Q, R14120Q, R21544Q.
Identifiers: ClinVar variation 497328 (VCV000497328.17), dbSNP rs201448988, ClinGen allele CA1990918.